The following is an entry in ClinVar:

ClinVar aggregate classification (germline): Uncertain significance (1 of 4 stars; one submission).

Conditions:
Hereditary cancer-predisposing syndrome. Also called: Neoplastic Syndromes, Hereditary; Tumor predisposition; Hereditary Cancer Syndrome; Hereditary neoplastic syndrome. Identifiers: Orphanet 140162, MedGen C0027672, MeSH D009386, MONDO:0015356.

Submission:

Ambry Genetics
Classification: Uncertain significance for Hereditary cancer-predisposing syndrome. Last evaluated: 2024-08-31. Review status: criteria provided, single submitter. Criteria: Ambry Variant Classification Scheme 2023. Collection method: clinical testing. Allele origin: germline.
Comment: The p.T608S variant (also known as c.1823C>G), located in coding exon 10 of the RET gene, results from a C to G substitution at nucleotide position 1823. The threonine at codon 608 is replaced by serine, an amino acid with similar properties. This amino acid position is conserved. In addition, the in silico prediction for this alteration is inconclusive. Based on the available evidence, the clinical significance of this variant remains unclear.

NM_020975.6(RET):c.1823C>G (p.Thr608Ser)

Gene: RET (ret proto-oncogene; plus strand). Cytogenetic location: 10q11.21.
Variant type: single nucleotide variant.
Coding change: c.1823C>G on transcript NM_020975.6 (MANE Select); coding-DNA position 1823, C replaced by G.
Protein change: p.Thr608Ser; replaces threonine 608 with serine.
Molecular consequence: missense variant. On other transcripts: intron variant (2).
Genome position (GRCh38, 1-based): chr10:43,113,619, C>G. VCF-style: chr10-43113619-C-G. GRCh37 (hg19) VCF-style: chr10-43609067-C-G.
Other names: c.1061C>G, p.Thr354Ser (NM_001355216.2); c.1823C>G, p.Thr608Ser (NM_001406743.1, NM_001406744.1, NM_001406759.1 and 4 more transcripts); c.1694C>G, p.Thr565Ser (NM_001406762.1, NM_001406764.1, NM_001406761.1 and 1 more transcripts); c.1535C>G, p.Thr512Ser (NM_001406766.1, NM_001406767.1, NM_001406770.1); c.1427C>G, p.Thr476Ser (NM_001406769.1, NM_001406772.1); c.1385C>G, p.Thr462Ser (NM_001406771.1, NM_001406773.1); c.1298C>G, p.Thr433Ser (NM_001406774.1); c.1097C>G, p.Thr366Ser (NM_001406775.1, NM_001406776.1, NM_001406777.1 and 1 more transcripts); and 7 more; short protein forms T266S, T278S, T309S, T462S, T512S, T354S, T125S, T213S.
Identifiers: ClinVar variation 3432251 (VCV003432251.1).
Genomic context (GRCh38, chr10:43,113,619, plus strand): 5'-GCAGCATTGTTGGGGGACACGAGCCTGGGGAGCCCCGGGGGATTAAAGCTGGCTATGGCA[C>G]CTGCAACTGCTTCCCTGAGGAGGAGAAGTGCTTCTGCGAGCCCGAAGACATCCAGGGTGA-3'
Protein context (NP_066124.1, residues 598-618): EPRGIKAGYG[Thr608Ser]CNCFPEEEKC